The following is an entry in ClinVar:

ClinVar aggregate classification (germline): Pathogenic (1 of 4 stars; one submission).

Conditions:
Progressive myoclonic epilepsy type 3. Also called: EPILEPSY, PROGRESSIVE MYOCLONIC, 3, WITH OR WITHOUT INTRACELLULAR INCLUSIONS; CEROID LIPOFUSCINOSIS, NEURONAL, 14; EPILEPSY, PROGRESSIVE MYOCLONIC, 3, WITHOUT INTRACELLULAR INCLUSIONS; KCTD7-Related Progressive Myoclonic Epilepsy. Identifiers: Orphanet 263516, MedGen C2673257, MONDO:0012721, OMIM 611726.

Submission:

Labcorp Genetics (formerly Invitae), Labcorp
Classification: Pathogenic for Epilepsy, progressive myoclonic 3. Last evaluated: 2018-06-18. Review status: criteria provided, single submitter. Criteria: Invitae Variant Classification Sherloc (09022015). Collection method: clinical testing. Allele origin: germline.
Comment: This variant is a gross deletion of the genomic region encompassing exons 3-4 of the KCTD7 gene. The 5' boundary is likely confined to intron 2. The 3' end of this event is unknown as it extends through the termination codon beyond the assayed region for this gene and may encompass additional genes. While this deletion is not anticipated to result in nonsense mediated decay, it is expected to create a truncated protein product or disrupt mRNA translation. This variant has been observed in combination with another KCTD7 variant in an individual affected withÂ¬â€ opsoclonus-myoclonus ataxia-like syndromeÂ¬â€ (PMID:Â¬â€ 22638565). Two additional truncations (p.Ile199Serfs*74 and p.Phe232Leufs*41) that lie downstream of this variant have been determined to be likely pathogenic (PMID: 22693283, 27742667). This suggests that deletion of this region of the KCTD7 protein is causative of disease. For these reasons, this variant has been classified as Pathogenic.

Literature cited by the submitters: PubMed 22693283; PubMed 27742667.

NC_000007.14:g.(?_66638233)_(66639252_?)del

Gene: KCTD7 (potassium channel tetramerization domain containing 7; plus strand). Cytogenetic location: 7q11.21.
Variant type: Deletion.
Identifiers: ClinVar variation 583587 (VCV000583587.1).